The following is an entry in ClinVar:

ClinVar aggregate classification (germline): Conflicting classifications of pathogenicity. Review status: criteria provided, conflicting classifications (1 of 4 stars). 5 submissions from 5 submitters: Uncertain significance (1); Likely benign (3). 1 of the submissions does not count toward it. Last evaluated 2026-09-11.

Conditions:
Inborn genetic diseases. Identifiers: MedGen C0950123, MeSH D030342.
Leber congenital amaurosis (LCA). Also called: Leber's amaurosis. Identifiers: Orphanet 65, MedGen C0339527, MeSH D057130, MONDO:0018998.
LCA5-related disorder. Also called: LCA5-related condition.

Allele frequency attached by ClinVar (database versions not stated): ESP Exome Variant Server 0.00123; gnomAD exomes 0.00008 and 0.00023; 1000 Genomes Project 0.00020; ExAC 0.00028; 1000 Genomes Project 30x 0.00031; gnomAD 0.00079 and 0.00087; TOPMed 0.00090.
gnomAD v4.1: 249 of 1,614,128 alleles (0.015%); highest among the groups gnomAD compares: African/African-American, 0.29%; no homozygotes.

Submissions (5):

Ambry Genetics
Classification: Uncertain significance for Inborn genetic diseases. Last evaluated: 2026-09-11. Review status: criteria provided, single submitter. Criteria: Ambry Variant Classification Scheme 2023. Collection method: clinical testing. Allele origin: germline.

Labcorp Genetics (formerly Invitae), Labcorp
Classification: Likely benign. Last evaluated: 2026-01-31. Review status: criteria provided, single submitter. Criteria: Invitae Variant Classification Sherloc (09022015). Collection method: clinical testing. Allele origin: germline.

PreventionGenetics, part of Exact Sciences
Classification: Likely benign for LCA5-related condition. Last evaluated: 2024-12-11. Review status: criteria provided, single submitter. Criteria: ACMG Guidelines, 2015. Collection method: clinical testing. Allele origin: germline.
Comment: This variant is classified as likely benign based on ACMG/AMP sequence variant interpretation guidelines (Richards et al. 2015 PMID: 25741868, with internal and published modifications).

Blueprint Genetics
Classification: Likely benign. Last evaluated: 2024-02-12. Review status: criteria provided, single submitter. Criteria: ACMG Guidelines, 2015. Collection method: clinical testing. Allele origin: germline.

Natera, Inc.
Classification: Uncertain significance for Leber congenital amaurosis. Last evaluated: 2020-01-17. Review status: no assertion criteria provided. Collection method: clinical testing. Allele origin: germline. Not counted in ClinVar's aggregate classification.

NM_001122769.3(LCA5):c.1843A>G (p.Ser615Gly)

Gene: LCA5 (lebercilin LCA5; minus strand). Cytogenetic location: 6q14.1.
Variant type: single nucleotide variant.
Coding change: c.1843A>G on transcript NM_001122769.3 (MANE Select); coding-DNA position 1843, A replaced by G.
Protein change: p.Ser615Gly; replaces serine 615 with glycine.
Molecular consequence: missense variant.
Genome position (GRCh38, 1-based): chr6:79,487,255, T>C on the plus strand (A>G on the coding strand, the complement: LCA5 is on the minus strand). VCF-style: chr6-79487255-T-C. GRCh37 (hg19) VCF-style: chr6-80196972-T-C.
Other names: c.1843A>G, p.Ser615Gly (NM_181714.4); short protein forms S615G.
Identifiers: ClinVar variation 707613 (VCV000707613.15), dbSNP rs143030450, ClinGen allele CA3900763.